The following is an entry in ClinVar:

NM_000063.6(C2):c.550A>G (p.Thr184Ala)

Gene: C2 (complement C2; plus strand). Cytogenetic location: 6p21.33.
Variant type: single nucleotide variant.
Coding change: c.550A>G on transcript NM_000063.6 (MANE Select); coding-DNA position 550, A replaced by G.
Protein change: p.Thr184Ala; replaces threonine 184 with alanine.
Molecular consequence: missense variant. On other transcripts: synonymous variant (1).
Genome position (GRCh38, 1-based): chr6:31,933,717, A>G. VCF-style: chr6-31933717-A-G. GRCh37 (hg19) VCF-style: chr6-31901494-A-G.
Other names: c.154A>G, p.Thr52Ala (NM_001145903.3); c.181A>G, p.Thr61Ala (NM_001178063.3); c.45A>G, p.Ser15= (NM_001282457.2); c.463A>G, p.Thr155Ala (NM_001282458.2); c.550A>G, p.Thr184Ala (NM_001282459.2); short protein forms T155A, T61A, T184A, T52A.
Identifiers: ClinVar variation 1957467 (VCV001957467.5), dbSNP rs1313203557, ClinGen allele CA363496215.

ClinVar aggregate classification (germline): Uncertain significance. Review status: criteria provided, multiple submitters, no conflicts (2 of 4 stars). 2 submissions from 2 submitters: Uncertain significance (2). Last evaluated 2025-01-06.

Allele frequency attached by ClinVar (database versions not stated): gnomAD exomes below 0.00001; TOPMed 0.00001.
gnomAD v4.1: 1 of 1,613,368 alleles (0.000062%); highest among the groups gnomAD compares: Non-Finnish European, 0.000085%; no homozygotes.

Submissions (2):

Labcorp Genetics (formerly Invitae), Labcorp
Classification: Uncertain significance. Last evaluated: 2025-01-06. Review status: criteria provided, single submitter. Criteria: Invitae Variant Classification Sherloc (09022015). Collection method: clinical testing. Allele origin: germline.
Comment: This sequence change replaces threonine, which is neutral and polar, with alanine, which is neutral and non-polar, at codon 184 of the C2 protein (p.Thr184Ala). This variant is present in population databases (no rsID available, gnomAD 0.0009%). This variant has not been reported in the literature in individuals affected with C2-related conditions. ClinVar contains an entry for this variant (Variation ID: 1957467). An algorithm developed to predict the effect of missense changes on protein structure and function (PolyPhen-2) suggests that this variant¬†is likely to be tolerated. In summary, the available evidence is currently insufficient to determine the role of this variant in disease. Therefore, it has been classified as a Variant of Uncertain Significance.

Ambry Genetics
Classification: Uncertain significance. Last evaluated: 2023-12-09. Review status: criteria provided, single submitter. Criteria: Ambry Variant Classification Scheme 2023. Collection method: clinical testing. Allele origin: germline.